The following is an entry in ClinVar:

ClinVar aggregate classification (germline): Likely pathogenic (1 of 4 stars; one submission).

Conditions:
Autosomal recessive polycystic kidney disease (ARPKD). Also called: AR polycystic kidney disease. Identifiers: Orphanet 731, Orphanet 8378, MedGen C0085548, MeSH D017044, MONDO:0009889.

Submission:

Women's Health and Genetics/Laboratory Corporation of America, LabCorp
Classification: Likely pathogenic for Autosomal recessive polycystic kidney disease. Last evaluated: 2026-05-07. Review status: criteria provided, single submitter. Criteria: LabCorp Variant Classification Summary - May 2015. Collection method: clinical testing. Allele origin: germline.
Comment: Variant summary: PKHD1 c.9999-2A>G is located in a canonical splice-site and is predicted to affect mRNA splicing resulting in a significantly altered protein due to either exon skipping, shortening, or inclusion of intronic material. Variants that disrupt the consensus splice site are a relatively common cause of aberrant splicing and loss of PKHD1 function. Several computational tools predict a significant impact on normal splicing: Four predict the variant abolishes a 3' acceptor site. One predicts the variant strengthens a cryptic 3' acceptor site. One predicts the variant creates a 3' acceptor site. However, these predictions have yet to be confirmed by functional studies. The variant was absent in 250998 control chromosomes. To our knowledge, no occurrence of c.9999-2A>G in individuals affected with PKHD1-related conditions and no experimental evidence demonstrating its impact on protein function have been reported. No submitters have cited clinical-significance assessments for this variant to ClinVar. Based on the evidence outlined above, the variant was classified as likely pathogenic.

NM_138694.4(PKHD1):c.9999-2A>G

Gene: PKHD1 (PKHD1 ciliary IPT domain containing fibrocystin/polyductin; minus strand). Cytogenetic location: 6p12.3.
Variant type: single nucleotide variant.
Coding change: c.9999-2A>G on transcript NM_138694.4 (MANE Select); the canonical splice acceptor site of the intron before coding-DNA position 9999, A replaced by G.
Molecular consequence: splice acceptor variant.
Genome position (GRCh38, 1-based): chr6:51,744,544, T>C on the plus strand (A>G on the coding strand, the complement: PKHD1 is on the minus strand). VCF-style: chr6-51744544-T-C. GRCh37 (hg19) VCF-style: chr6-51609342-T-C.
Other names: c.9999-2A>G (NM_170724.3).
Identifiers: ClinVar variation 4853493 (VCV004853493.1).
Genomic context (GRCh38, chr6:51,744,544, plus strand): 5'-GATATTTTCTTGGACTTGCACAGTCTAATTCAGGACAGACTACTTTTCCTAAATCTTTCC[T>C]GTGAAGACAGTCAAAAAGCAACTCTTTCATTTCATGATAAGCAGCAAGAAGAAAATATAC-3'